The following is an entry in ClinVar:

NM_004408.4(DNM1):c.604G>T (p.Gly202Trp)

Gene: DNM1 (dynamin 1; plus strand). Cytogenetic location: 9q34.11.
Variant type: single nucleotide variant.
Coding change: c.604G>T on transcript NM_004408.4 (MANE Select); coding-DNA position 604, G replaced by T.
Protein change: p.Gly202Trp; replaces glycine 202 with tryptophan.
Molecular consequence: missense variant.
Genome position (GRCh38, 1-based): chr9:128,220,002, G>T. VCF-style: chr9-128220002-G-T. GRCh37 (hg19) VCF-style: chr9-130982281-G-T.
Other names: c.604G>T, p.Gly202Trp (NM_001005336.3, NM_001288737.2, NM_001288738.2 and 2 more transcripts); short protein forms G202W.
Identifiers: ClinVar variation 1721519 (VCV001721519.6), dbSNP rs1057524561, ClinGen allele CA375012212.

ClinVar aggregate classification (germline): Uncertain significance (1 of 4 stars; one submission).

Conditions:
Developmental and epileptic encephalopathy, 31A. Also called: Epileptic encephalopathy, early infantile, 31; Developmental and epileptic encephalopathy, 31. Identifiers: Orphanet 2382, MedGen C4225357, MONDO:0014598, OMIM 616346.

Allele frequency attached by ClinVar (database versions not stated): gnomAD exomes below 0.00001.
gnomAD v4.1: 1 of 1,587,192 alleles (0.000063%); highest among the groups gnomAD compares: Admixed American, 0.0018%; no homozygotes.

Submission:

Labcorp Genetics (formerly Invitae), Labcorp
Classification: Uncertain significance for Developmental and epileptic encephalopathy, 31A. Last evaluated: 2023-08-24. Review status: criteria provided, single submitter. Criteria: Invitae Variant Classification Sherloc (09022015). Collection method: clinical testing. Allele origin: germline.
Comment: In summary, the available evidence is currently insufficient to determine the role of this variant in disease. Therefore, it has been classified as a Variant of Uncertain Significance. This variant disrupts the p.Gly202 amino acid residue in DNM1. Other variant(s) that disrupt this residue have been determined to be pathogenic (Invitae). This suggests that this residue is clinically significant, and that variants that disrupt this residue are likely to be disease-causing. Advanced modeling of protein sequence and biophysical properties (such as structural, functional, and spatial information, amino acid conservation, physicochemical variation, residue mobility, and thermodynamic stability) performed at Invitae indicates that this missense variant is expected to disrupt DNM1 protein function. ClinVar contains an entry for this variant (Variation ID: 1721519). This variant has not been reported in the literature in individuals affected with DNM1-related conditions. This variant is not present in population databases (gnomAD no frequency). This sequence change replaces glycine, which is neutral and non-polar, with tryptophan, which is neutral and slightly polar, at codon 202 of the DNM1 protein (p.Gly202Trp).